The following is an entry in ClinVar:

NM_033448.3(KRT71):c.98G>A (p.Arg33Gln)

Gene: KRT71 (keratin 71; minus strand). Cytogenetic location: 12q13.13.
Variant type: single nucleotide variant.
Coding change: c.98G>A on transcript NM_033448.3 (MANE Select); coding-DNA position 98, G replaced by A.
Protein change: p.Arg33Gln; replaces arginine 33 with glutamine.
Molecular consequence: missense variant.
Genome position (GRCh38, 1-based): chr12:52,552,980, C>T on the plus strand (G>A on the coding strand, the complement: KRT71 is on the minus strand). VCF-style: chr12-52552980-C-T. GRCh37 (hg19) VCF-style: chr12-52946764-C-T.
Other names: c.98G>A (NM_033448.2); short protein forms R33Q.
Identifiers: ClinVar variation 2416875 (VCV002416875.8), dbSNP rs375403204, ClinGen allele CA6583550.

ClinVar aggregate classification (germline): Uncertain significance. Review status: criteria provided, multiple submitters, no conflicts (2 of 4 stars). 2 submissions from 2 submitters: Uncertain significance (2). Last evaluated 2023-08-14.

Allele frequency attached by ClinVar (database versions not stated): gnomAD exomes 0.00006; ExAC 0.00008; ESP Exome Variant Server 0.00008; TOPMed 0.00008; gnomAD 0.00010; 1000 Genomes Project 0.00020; 1000 Genomes Project 30x 0.00031.
gnomAD v4.1: 114 of 1,614,188 alleles (0.0071%); highest among the groups gnomAD compares: East Asian, 0.022%; no homozygotes.

Submissions (2):

Ambry Genetics
Classification: Uncertain significance. Last evaluated: 2023-08-14. Review status: criteria provided, single submitter. Criteria: Ambry Variant Classification Scheme 2023. Collection method: clinical testing. Allele origin: germline.

Labcorp Genetics (formerly Invitae), Labcorp
Classification: Uncertain significance. Last evaluated: 2023-07-17. Review status: criteria provided, single submitter. Criteria: Invitae Variant Classification Sherloc (09022015). Collection method: clinical testing. Allele origin: germline.
Comment: This sequence change replaces arginine, which is basic and polar, with glutamine, which is neutral and polar, at codon 33 of the KRT71 protein (p.Arg33Gln). This variant is present in population databases (rs375403204, gnomAD 0.02%). This variant has not been reported in the literature in individuals affected with KRT71-related conditions. ClinVar contains an entry for this variant (Variation ID: 2416875). An algorithm developed to predict the effect of missense changes on protein structure and function (PolyPhen-2) suggests that this variant is likely to be tolerated. In summary, the available evidence is currently insufficient to determine the role of this variant in disease. Therefore, it has been classified as a Variant of Uncertain Significance.